The following is an entry in ClinVar:

NM_021815.5(SLC5A7):c.70T>C (p.Trp24Arg)

Gene: SLC5A7 (solute carrier family 5 member 7; plus strand). Cytogenetic location: 2q12.3.
Variant type: single nucleotide variant.
Coding change: c.70T>C on transcript NM_021815.5 (MANE Select); coding-DNA position 70, T replaced by C.
Protein change: p.Trp24Arg; replaces tryptophan 24 with arginine.
Molecular consequence: missense variant. On other transcripts: 5 prime UTR variant (1), intron variant (1).
Genome position (GRCh38, 1-based): chr2:107,988,225, T>C. VCF-style: chr2-107988225-T-C. GRCh37 (hg19) VCF-style: chr2-108604681-T-C.
Other names: c.70T>C, p.Trp24Arg (NM_001305005.3); c.-635T>C (NM_001305007.3); c.-138+1462T>C (NM_001305006.3); short protein forms W24R.
Identifiers: ClinVar variation 3893592 (VCV003893592.1).
Genomic context (GRCh38, chr2:107,988,225, plus strand): 5'-CATGTGGAAGGACTGATAGCTATCATCGTGTTCTACCTTCTAATTTTGCTGGTTGGAATA[T>C]GGGCTGCCTGGAGAACCAAAAACAGTGGCAGCGCAGAAGAGCGCAGCGAAGCCATCATAG-3'
Protein context (NP_068587.1, residues 14-34): FYLLILLVGI[Trp24Arg]AAWRTKNSGS

ClinVar aggregate classification (germline): Uncertain significance (1 of 4 stars; one submission).

gnomAD v4.1: 6 of 1,614,212 alleles (0.00037%); highest among the groups gnomAD compares: Non-Finnish European, 0.00051%; no homozygotes.

Submission:

GeneDx
Classification: Uncertain significance. Last evaluated: 2024-10-28. Review status: criteria provided, single submitter. Criteria: GeneDx Variant Classification Process June 2021. Collection method: clinical testing. Allele origin: germline. Affected: yes.
Comment: Not observed at significant frequency in large population cohorts (gnomAD); In silico analysis supports that this missense variant has a deleterious effect on protein structure/function; Has not been previously published as pathogenic or benign to our knowledge